The following is an entry in ClinVar:

NM_001145026.2(PTPRQ):c.731C>T (p.Ser244Leu)

Gene: PTPRQ (protein tyrosine phosphatase receptor type Q; plus strand). Cytogenetic location: 12q21.31.
Variant type: single nucleotide variant.
Coding change: c.731C>T on transcript NM_001145026.2 (MANE Select); coding-DNA position 731, C replaced by T.
Protein change: p.Ser244Leu; replaces serine 244 with leucine.
Molecular consequence: missense variant.
Genome position (GRCh38, 1-based): chr12:80,460,723, C>T. VCF-style: chr12-80460723-C-T. GRCh37 (hg19) VCF-style: chr12-80849454-G-A.
Other names: short protein forms S244L.
Identifiers: ClinVar variation 3376557 (VCV003376557.1).

ClinVar aggregate classification (germline): Uncertain significance (1 of 4 stars; one submission).

Conditions:
Autosomal recessive nonsyndromic hearing loss 84A. Also called: DEAFNESS, AUTOSOMAL RECESSIVE 84A; DEAFNESS, AUTOSOMAL RECESSIVE 84A, WITH VESTIBULAR DYSFUNCTION. Identifiers: Orphanet 90636, MedGen C3150654, MONDO:0013249, OMIM 613391.

gnomAD v4.1: 10 of 399,720 alleles (0.0025%); highest among the groups gnomAD compares: African/African-American, 0.0041%; no homozygotes.

Submission:

Victorian Clinical Genetics Services, Murdoch Childrens Research Institute
Classification: Uncertain significance for Autosomal recessive nonsyndromic hearing loss 84A. Last evaluated: 2021-05-06. Review status: criteria provided, single submitter. Criteria: ACMG Guidelines, 2015. Collection method: clinical testing. Allele origin: germline.
Comment: Based on the classification scheme VCGS_Germline_v1.3.4, this variant is classified as VUS-3C. Following criteria are met: 0102 - Loss of function is a known mechanism of disease in this gene and is associated with autosomal recessive deafness 84A (MIM#613391), whereas the mechanism for autosomal dominant deafness 73 (MIM#617663) is unclear. (I) 0108 - This gene is associated with both recessive and dominant disease. Biallelic mutations are commonly associated with recessive deafness, and dominant deafness is only established through recent publications (PMID: 29309402, 31655630, 33229591). (I) 0115 - Variants in this gene are known to have variable expressivity. High intrafamilial variability has been reported in deafness patients (PMID: 31655630). (I) 0200 - Variant is predicted to result in a missense amino acid change from serine to leucine. (I) 0251 - This variant is heterozygous. (I) 0302 - Variant is present in gnomAD (v3) <0.001 for a dominant condition (3 heterozygotes, 0 homozygotes). (SP) 0504 - Same amino acid change has been observed in placental mammals. (SB) 0600 - Variant is located in the annotated Fibronectin type-III 3 domain (Uniprot). (I) 0705 - No comparable missense variants have previous evidence for pathogenicity. (I) 0807 - This variant has no previous evidence of pathogenicity. (I) 0905 - No published segregation evidence has been identified for this variant. (I) 1007 - No published functional evidence has been identified for this variant. (I) 1208 - Inheritance information for this variant is not currently available in this individual. (I) Legend: (SP) - Supporting pathogenic, (I) - Information, (SB) - Supporting benign

Literature cited by the submitters: PubMed 29309402; PubMed 31655630; PubMed 33229591.